The following is an entry in ClinVar:

ClinVar aggregate classification (germline): Likely benign (1 of 4 stars; one submission).

Allele frequency attached by ClinVar (database versions not stated): gnomAD 0.01137 and 0.01802.

Submission:

GeneDx
Classification: Likely benign. Last evaluated: 2018-06-16. Review status: criteria provided, single submitter. Criteria: GeneDx Variant Classification (06012015). Collection method: clinical testing. Allele origin: germline. Affected: yes.
Comment: This variant is considered likely benign or benign based on one or more of the following criteria: it is a conservative change, it occurs at a poorly conserved position in the protein, it is predicted to be benign by multiple in silico algorithms, and/or has population frequency not consistent with disease.

NM_020822.3(KCNT1):c.760-231G>A

Gene: KCNT1 (potassium sodium-activated channel subfamily T member 1; plus strand). Cytogenetic location: 9q34.3.
Variant type: single nucleotide variant.
Coding change: c.760-231G>A on transcript NM_020822.3 (MANE Select); 231 bases into the intron before coding-DNA position 760, G replaced by A.
Molecular consequence: intron variant.
Genome position (GRCh38, 1-based): chr9:135,758,183, G>A. VCF-style: chr9-135758183-G-A. GRCh37 (hg19) VCF-style: chr9-138650029-G-A.
Other names: c.616-231G>A (NM_001272003.2).
Identifiers: ClinVar variation 682093 (VCV000682093.1), dbSNP rs10858165, ClinGen allele CA201460520.